The following is an entry in ClinVar:

ClinVar aggregate classification (germline): Pathogenic/Likely pathogenic. Review status: criteria provided, multiple submitters, no conflicts (2 of 4 stars). 3 submissions from 3 submitters: Pathogenic (1); Likely pathogenic (1). 1 of the submissions does not count toward it. Last evaluated 2024-09-28.

Conditions:
Tay-Sachs disease (TSD). Also called: HEXA Disorders; HEXA DEFICIENCY; Hexosaminidase A Deficiency; GM2 gangliosidosis, type 1; Hexosaminidase alpha-subunit deficiency (variant B); Sphingolipidosis, Tay-Sachs. Identifiers: Orphanet 845, MedGen C0039373, MONDO:0010100, OMIM 272800.

Submissions (3):

Natera, Inc.
Classification: Likely pathogenic for Tay-Sachs disease. Last evaluated: 2024-09-28. Review status: criteria provided, single submitter. Criteria: Natera Variant Classification Schema (03/2026). Collection method: clinical testing. Allele origin: germline.
Comment: The c.1526+1G>T variant in HEXA is a canonical splice donor site variant predicted to affect pre-mRNA splicing, which may result in an abnormal transcript and altered protein product. This variant is expected to result in nonsense mediated decay, truncation, or a dysfunctional protein product. This variant is rare in the general population with a frequency below the threshold expected for the associated phenotype(s). Given the available evidence, this variant is classified as Likely Pathogenic.

Labcorp Genetics (formerly Invitae), Labcorp
Classification: Pathogenic for Tay-Sachs disease. Last evaluated: 2021-12-24. Review status: criteria provided, single submitter. Criteria: Invitae Variant Classification Sherloc (09022015). Collection method: clinical testing. Allele origin: germline.
Comment: ClinVar contains an entry for this variant (Variation ID: 554357). This sequence change affects a donor splice site in intron 13 of the HEXA gene. While this variant is not anticipated to result in nonsense mediated decay, it likely alters RNA splicing and results in a disrupted protein product. This variant is not present in population databases (gnomAD no frequency). This variant has not been reported in the literature in individuals affected with HEXA-related conditions. Variants that disrupt the consensus splice site are a relatively common cause of aberrant splicing (PMID: 17576681, 9536098). Algorithms developed to predict the effect of sequence changes on RNA splicing suggest that this variant may disrupt the consensus splice site. This variant disrupts a region of the HEXA protein in which other variant(s) (p.Leu517Profs*7) have been determined to be pathogenic (PMID: 9150157; Invitae). This suggests that this is a clinically significant region of the protein, and that variants that disrupt it are likely to be disease-causing. For these reasons, this variant has been classified as Pathogenic.

Counsyl
Classification: Likely pathogenic for Tay-Sachs disease. Last evaluated: 2017-10-17. Review status: no assertion criteria provided. Collection method: clinical testing. Allele origin: unknown. Not counted in ClinVar's aggregate classification.

Literature cited by the submitters: PubMed 17576681 (cited by Labcorp Genetics (formerly Invitae), Labcorp); PubMed 9536098 (cited by Labcorp Genetics (formerly Invitae), Labcorp); PubMed 9150157 (cited by Labcorp Genetics (formerly Invitae), Labcorp).

NM_000520.6(HEXA):c.1526+1G>T

Gene: HEXA (hexosaminidase subunit alpha; minus strand). Cytogenetic location: 15q23.
Variant type: single nucleotide variant.
Coding change: c.1526+1G>T on transcript NM_000520.6 (MANE Select); the canonical splice donor site of the intron after coding-DNA position 1526, G replaced by T.
Molecular consequence: splice donor variant. On other transcripts: non-coding transcript variant (1).
Genome position (GRCh38, 1-based): chr15:72,345,445, C>A on the plus strand (G>T on the coding strand, the complement: HEXA is on the minus strand). VCF-style: chr15-72345445-C-A. GRCh37 (hg19) VCF-style: chr15-72637786-C-A.
Other names: c.1559+1G>T (NM_001318825.2); c.1526+1G>T (NM_000520.5).
Identifiers: ClinVar variation 554357 (VCV000554357.11), dbSNP rs1309204908, ClinGen allele CA393058402.